The following is an entry in ClinVar:

ClinVar aggregate classification (germline): Uncertain significance (1 of 4 stars; one submission).

Submission:

CeGaT Center for Human Genetics Tuebingen
Classification: Uncertain significance. Last evaluated: 2025-12-01. Review status: criteria provided, single submitter. Criteria: CeGaT Center For Human Genetics Tuebingen Variant Classification Criteria Version 2. Collection method: clinical testing. Allele origin: germline. Affected: yes. Observed: 1 variant allele.
Comment: DDX3X: PM2

NM_001356.5(DDX3X):c.1985A>G (p.Asn662Ser)

Gene: DDX3X (DEAD-box helicase 3 X-linked; plus strand). Cytogenetic location: Xp11.4.
Variant type: single nucleotide variant.
Coding change: c.1985A>G on transcript NM_001356.5 (MANE Select); coding-DNA position 1985, A replaced by G.
Protein change: p.Asn662Ser; replaces asparagine 662 with serine.
Molecular consequence: missense variant. On other transcripts: non-coding transcript variant (1).
Genome position (GRCh38, 1-based): chrX:41,347,715, A>G. VCF-style: chrX-41347715-A-G. GRCh37 (hg19) VCF-style: chrX-41206968-A-G.
Other names: c.1982A>G, p.Asn661Ser (NM_001193416.3); c.1937A>G, p.Asn646Ser (NM_001193417.3); c.1424A>G, p.Asn475Ser (NM_001363819.1); short protein forms N475S, N646S, N661S, N662S.
Identifiers: ClinVar variation 4682069 (VCV004682069.5).